The following is an entry in ClinVar:

ClinVar aggregate classification (germline): Uncertain significance (1 of 4 stars; one submission).

Submission:

Labcorp Genetics (formerly Invitae), Labcorp
Classification: Uncertain significance. Last evaluated: 2024-10-08. Review status: criteria provided, single submitter. Criteria: Invitae Variant Classification Sherloc (09022015). Collection method: clinical testing. Allele origin: germline.
Comment: This sequence change creates a premature translational stop signal (p.Pro1263Hisfs*96) in the PLEKHG2 gene. While this is not anticipated to result in nonsense mediated decay, it is expected to disrupt the last 124 amino acid(s) of the PLEKHG2 protein. This variant is not present in population databases (gnomAD no frequency). This variant has not been reported in the literature in individuals affected with PLEKHG2-related conditions. ClinVar contains an entry for this variant (Variation ID: 1428725). Experimental studies and prediction algorithms are not available or were not evaluated, and the functional significance of this variant is currently unknown. In summary, the available evidence is currently insufficient to determine the role of this variant in disease. Therefore, it has been classified as a Variant of Uncertain Significance.

NM_022835.3(PLEKHG2):c.3788del (p.Pro1263fs)

Gene: PLEKHG2 (pleckstrin homology and RhoGEF domain containing G2; plus strand). Cytogenetic location: 19q13.2.
Variant type: Deletion.
Coding change: c.3788del on transcript NM_022835.3 (MANE Select); coding-DNA position 3788, one base deleted (C; older notation c.3788delC).
Protein change: p.Pro1263fs; shifts the reading frame from proline 1263.
Molecular consequence: frameshift variant. On other transcripts: intron variant (2).
Genome position (GRCh38, 1-based): chr19:39,424,921, C deleted; the last of 5 consecutive C bases (chr19:39,424,917-39,424,921); deleting any one gives the same sequence. VCF-style (leftmost placement, unchanged base first): chr19-39424916-TC-T. GRCh37 (hg19) VCF-style: chr19-39915556-TC-T.
Other names: c.3572+39del (NM_001351693.2); c.1678-317del (NM_001351694.2); short protein forms P1263fs.
Identifiers: ClinVar variation 1428725 (VCV001428725.6), dbSNP rs2146023123, ClinGen allele CA2573156357.
Genomic context (GRCh38, chr19:39,424,916, plus strand): 5'-AGGCTCCTTAGCCTCTCACGTTGCCAGGTTGGAGTCTTCAGACTTGACGCCACCTCATAG[TC>T]CCCCACCTTCCAGCCGTCAGCTCCTGGGCCCCAATGCAGCTGCCCTCTCCAGATACCTGG-3'